The following is an entry in ClinVar:

NM_000287.4(PEX6):c.1565G>A (p.Arg522Gln)

Gene: PEX6 (peroxisomal biogenesis factor 6; minus strand). Cytogenetic location: 6p21.1.
Variant type: single nucleotide variant.
Coding change: c.1565G>A on transcript NM_000287.4 (MANE Select); coding-DNA position 1565, G replaced by A.
Protein change: p.Arg522Gln; replaces arginine 522 with glutamine.
Molecular consequence: missense variant. On other transcripts: non-coding transcript variant (1).
Genome position (GRCh38, 1-based): chr6:42,968,413, C>T on the plus strand (G>A on the coding strand, the complement: PEX6 is on the minus strand). VCF-style: chr6-42968413-C-T. GRCh37 (hg19) VCF-style: chr6-42936151-C-T.
Other names: c.1301G>A, p.Arg434Gln (NM_001316313.2); short protein forms R434Q, R522Q.
Identifiers: ClinVar variation 969820 (VCV000969820.8), dbSNP rs374396138, ClinGen allele CA3811291.
Genomic context (GRCh38, chr6:42,968,413, plus strand): 5'-CCCAGCCCATCACGGTCCCGGCCCAGAAGGTCCACAGCTGTGAGCAACAGGACTGCAGGC[C>T]GGCAACGGCGGGCCCGGGAGAAGATGGCCTGCAGTTTTGTCTCCACAGCCCCACTACTTT-3'
Protein context (NP_000278.3, residues 512-532): QAIFSRARRC[Arg522Gln]PAVLLLTAVD

ClinVar aggregate classification (germline): Conflicting classifications of pathogenicity. Review status: criteria provided, conflicting classifications (1 of 4 stars). 3 submissions from 3 submitters: Likely pathogenic (1); Uncertain significance (1). 1 of the submissions does not count toward it. Last evaluated 2022-08-13.

Conditions:
Peroxisome biogenesis disorder 4A (Zellweger) (PBD4A). Also called: Zellweger syndrome spectrum (PEX6-related). Identifiers: Orphanet 912, MedGen C3553936, MONDO:0013930, OMIM 614862. Disease mechanism: loss of function.
Peroxisome biogenesis disorder. Identifiers: Orphanet 79189, MedGen C1832200, MONDO:0019234. Disease mechanism: loss of function.
Zellweger spectrum disorders (ZS). Also called: Zellweger syndrome; Zellweger Spectrum Disorder (ZSD); Zellweger Spectrum Disorder; Zellweger Spectrum. Identifiers: Orphanet 912, MedGen C0043459, MONDO:0019609.

Allele frequency attached by ClinVar (database versions not stated): TOPMed 0.00001; ESP Exome Variant Server 0.00008.
gnomAD v4.1: 61 of 1,613,702 alleles (0.0038%); highest among the groups gnomAD compares: Non-Finnish European, 0.0045%; no homozygotes.

Submissions (3):

Labcorp Genetics (formerly Invitae), Labcorp
Classification: Uncertain significance for Peroxisome biogenesis disorder. Last evaluated: 2022-08-13. Review status: criteria provided, single submitter. Criteria: Invitae Variant Classification Sherloc (09022015). Collection method: clinical testing. Allele origin: germline.
Comment: This sequence change replaces arginine, which is basic and polar, with glutamine, which is neutral and polar, at codon 522 of the PEX6 protein (p.Arg522Gln). This variant is present in population databases (rs374396138, gnomAD 0.003%). This variant has not been reported in the literature in individuals affected with PEX6-related conditions. ClinVar contains an entry for this variant (Variation ID: 969820). Algorithms developed to predict the effect of missense changes on protein structure and function (SIFT, PolyPhen-2, Align-GVGD) all suggest that this variant is likely to be tolerated. Algorithms developed to predict the effect of sequence changes on RNA splicing suggest that this variant may create or strengthen a splice site. In summary, the available evidence is currently insufficient to determine the role of this variant in disease. Therefore, it has been classified as a Variant of Uncertain Significance.

Mendelics
Classification: Likely pathogenic for Peroxisome biogenesis disorder 4A (Zellweger). Last evaluated: 2022-05-04. Review status: criteria provided, single submitter. Criteria: Mendelics Assertion Criteria 2019. Collection method: clinical testing. Allele origin: germline.

Natera, Inc.
Classification: Uncertain significance for Zellweger syndrome. Last evaluated: 2020-03-13. Review status: no assertion criteria provided. Collection method: clinical testing. Allele origin: germline. Not counted in ClinVar's aggregate classification.